The following is an entry in ClinVar:

NM_003361.4(UMOD):c.1101G>A (p.Ser367=)

Gene: UMOD (uromodulin; minus strand). Cytogenetic location: 16p12.3.
Variant type: single nucleotide variant.
Coding change: c.1101G>A on transcript NM_003361.4 (MANE Select); coding-DNA position 1101, G replaced by A.
Protein change: p.Ser367=; no amino-acid change (serine 367 retained).
Molecular consequence: synonymous variant. On other transcripts: non-coding transcript variant (1).
Genome position (GRCh38, 1-based): chr16:20,346,207, C>T on the plus strand (G>A on the coding strand, the complement: UMOD is on the minus strand). VCF-style: chr16-20346207-C-T. GRCh37 (hg19) VCF-style: chr16-20357529-C-T.
Other names: c.1101G>A, p.Ser367= (NM_001008389.3, NM_001378232.1, NM_001378233.1 and 3 more transcripts); c.1200G>A, p.Ser400= (NM_001278614.2).
Identifiers: ClinVar variation 4985191 (VCV004985191.1).

ClinVar aggregate classification (germline): Likely benign (1 of 4 stars; one submission).

Conditions:
UMOD-related disorder. Also called: UMOD-related condition.

gnomAD v4.1: 42 of 1,614,118 alleles (0.0026%); highest among the groups gnomAD compares: East Asian, 0.0089%; no homozygotes.

Submission:

PreventionGenetics, part of Exact Sciences
Classification: Likely benign for UMOD-related condition. Last evaluated: 2025-01-03. Review status: criteria provided, single submitter. Criteria: ACMG Guidelines, 2015. Collection method: clinical testing. Allele origin: germline.
Comment: This variant is classified as likely benign based on ACMG/AMP sequence variant interpretation guidelines (Richards et al. 2015 PMID: 25741868, with internal and published modifications).